The following is an entry in ClinVar:

ClinVar aggregate classification (germline): Benign/Likely benign. Review status: criteria provided, multiple submitters, no conflicts (2 of 4 stars). 3 submissions from 3 submitters: Benign (1); Likely benign (2). Last evaluated 2026-07-12.

Conditions:
Sessile serrated polyposis cancer syndrome (SSPCS). Identifiers: Orphanet 157798, MedGen C4310714, MONDO:0014919, OMIM 617108.

Submissions (3):

Ambry Genetics
Classification: Likely benign. Last evaluated: 2026-07-12. Review status: criteria provided, single submitter. Criteria: Ambry Variant Classification Scheme 2023. Collection method: clinical testing. Allele origin: germline.

Myriad Genetics, Inc.
Classification: Benign for Sessile serrated polyposis cancer syndrome. Last evaluated: 2026-06-30. Review status: criteria provided, single submitter. Criteria: Myriad Autosomal Dominant, Autosomal Recessive and X-Linked Classification Criteria (2023). Collection method: clinical testing. Allele origin: unknown.
Comment: This variant is considered benign. This variant is a silent/synonymous amino acid change and it is not expected to impact splicing.

Labcorp Genetics (formerly Invitae), Labcorp
Classification: Likely benign. Last evaluated: 2023-05-15. Review status: criteria provided, single submitter. Criteria: Invitae Variant Classification Sherloc (09022015). Collection method: clinical testing. Allele origin: germline.

NM_017763.6(RNF43):c.486G>A (p.Val162=)

Gene: RNF43 (ring finger protein 43; minus strand). Cytogenetic location: 17q22.
Variant type: single nucleotide variant.
Coding change: c.486G>A on transcript NM_017763.6 (MANE Select); coding-DNA position 486, G replaced by A.
Protein change: p.Val162=; no amino-acid change (valine 162 retained).
Molecular consequence: synonymous variant.
Genome position (GRCh38, 1-based): chr17:58,363,371, C>T on the plus strand (G>A on the coding strand, the complement: RNF43 is on the minus strand). VCF-style: chr17-58363371-C-T. GRCh37 (hg19) VCF-style: chr17-56440732-C-T.
Other names: c.486G>A (NM_017763.4); c.486G>A, p.Val162= (NM_001305544.3); c.105G>A, p.Val35= (NM_001305545.2).
Identifiers: ClinVar variation 1663243 (VCV001663243.10), dbSNP rs2143469216, ClinGen allele CA501057644.